The following is an entry in ClinVar:

NM_001330360.2(POLA1):c.1808C>T (p.Ala603Val)

Gene: POLA1 (DNA polymerase alpha 1, catalytic subunit; plus strand). Cytogenetic location: Xp22.11.
Variant type: single nucleotide variant.
Coding change: c.1808C>T on transcript NM_001330360.2 (MANE Select); coding-DNA position 1808, C replaced by T.
Protein change: p.Ala603Val; replaces alanine 603 with valine.
Molecular consequence: missense variant. On other transcripts: non-coding transcript variant (1).
Genome position (GRCh38, 1-based): chrX:24,733,791, C>T. VCF-style: chrX-24733791-C-T. GRCh37 (hg19) VCF-style: chrX-24751908-C-T.
Other names: c.1733C>T, p.Ala578Val (NM_001378303.1); c.1790C>T, p.Ala597Val (NM_016937.4); short protein forms A578V, A597V, A603V.
Identifiers: ClinVar variation 2832191 (VCV002832191.4), dbSNP rs1931087218, ClinGen allele CA412534764.

ClinVar aggregate classification (germline): Uncertain significance. Review status: criteria provided, multiple submitters, no conflicts (2 of 4 stars). 2 submissions from 2 submitters: Uncertain significance (2). Last evaluated 2025-02-07.

Allele frequency attached by ClinVar (database versions not stated): gnomAD exomes below 0.00001.
gnomAD v4.1: 1 of 1,137,581 alleles (0.000088%); highest among the groups gnomAD compares: Non-Finnish European, 0.00012%; no homozygotes.

Submissions (2):

Women's Health and Genetics/Laboratory Corporation of America, LabCorp
Classification: Uncertain significance. Last evaluated: 2025-02-07. Review status: criteria provided, single submitter. Criteria: LabCorp Variant Classification Summary - May 2015. Collection method: clinical testing. Allele origin: germline.
Comment: Variant summary: POLA1 c.1790C>T (p.Ala597Val) results in a non-conservative amino acid change in the encoded protein sequence. Three of five in-silico tools predict a benign effect of the variant on protein function. The variant was absent in 169024 control chromosomes. The available data on variant occurrences in the general population are insufficient to allow any conclusion about variant significance. To our knowledge, no occurrence of c.1790C>T in individuals affected with X-linked reticulate pigmentary disorder and no experimental evidence demonstrating its impact on protein function have been reported. ClinVar contains an entry for this variant (Variation ID: 2832191). Based on the evidence outlined above, the variant was classified as uncertain significance.

Labcorp Genetics (formerly Invitae), Labcorp
Classification: Uncertain significance. Last evaluated: 2023-07-12. Review status: criteria provided, single submitter. Criteria: Invitae Variant Classification Sherloc (09022015). Collection method: clinical testing. Allele origin: germline.
Comment: This sequence change replaces alanine, which is neutral and non-polar, with valine, which is neutral and non-polar, at codon 597 of the POLA1 protein (p.Ala597Val). This variant is not present in population databases (gnomAD no frequency). This variant has not been reported in the literature in individuals affected with POLA1-related conditions. Advanced modeling of protein sequence and biophysical properties (such as structural, functional, and spatial information, amino acid conservation, physicochemical variation, residue mobility, and thermodynamic stability) performed at Invitae indicates that this missense variant is not expected to disrupt POLA1 protein function. In summary, the available evidence is currently insufficient to determine the role of this variant in disease. Therefore, it has been classified as a Variant of Uncertain Significance.